The following is an entry in ClinVar:

ClinVar aggregate classification (germline): Uncertain significance (1 of 4 stars; one submission).

Conditions:
Charcot-Marie-Tooth Neuropathy X. Identifiers: MedGen CN118851.
Combined oxidative phosphorylation deficiency. Identifiers: MedGen C4540031, MONDO:0000732.

Allele frequency attached by ClinVar (database versions not stated): ExAC 0.00001; gnomAD exomes 0.00001.
gnomAD v4.1: 7 of 1,211,653 alleles (0.00058%); highest among the groups gnomAD compares: South Asian, 0.0018%; no homozygotes.

Submission:

Labcorp Genetics (formerly Invitae), Labcorp
Classification: Uncertain significance for Charcot-Marie-Tooth Neuropathy X; Combined oxidative phosphorylation deficiency. Last evaluated: 2022-07-05. Review status: criteria provided, single submitter. Criteria: Invitae Variant Classification Sherloc (09022015). Collection method: clinical testing. Allele origin: germline.
Comment: In summary, the available evidence is currently insufficient to determine the role of this variant in disease. Therefore, it has been classified as a Variant of Uncertain Significance. Algorithms developed to predict the effect of missense changes on protein structure and function are either unavailable or do not agree on the potential impact of this missense change (SIFT: "Deleterious"; PolyPhen-2: "Benign"; Align-GVGD: "Class C0"). ClinVar contains an entry for this variant (Variation ID: 1019149). This variant has not been reported in the literature in individuals affected with AIFM1-related conditions. This variant is present in population databases (rs747871895, gnomAD 0.006%). This sequence change replaces arginine, which is basic and polar, with glutamine, which is neutral and polar, at codon 584 of the AIFM1 protein (p.Arg584Gln).

NM_004208.4(AIFM1):c.1751G>A (p.Arg584Gln)

Genes: AIFM1 (apoptosis inducing factor mitochondria associated 1; minus strand), RAB33A (RAB33A, member RAS oncogene family; plus strand). Cytogenetic location: Xq26.1.
Variant type: single nucleotide variant.
Coding change: c.1751G>A on transcript NM_004208.4 (MANE Select); coding-DNA position 1751, G replaced by A.
Protein change: p.Arg584Gln; replaces arginine 584 with glutamine.
Molecular consequence: missense variant. On other transcripts: 3 prime UTR variant (1), non-coding transcript variant (1).
Genome position (GRCh38, 1-based): chrX:130,129,989, C>T on the plus strand (G>A on the coding strand, the complement: AIFM1 is on the minus strand). VCF-style: chrX-130129989-C-T. GRCh37 (hg19) VCF-style: chrX-129263964-C-T.
Other names: c.734G>A, p.Arg245Gln (NM_001130846.4); c.*979G>A (NM_001130847.4); c.1739G>A, p.Arg580Gln (NM_145812.3); short protein forms R245Q, R580Q, R584Q.
Identifiers: ClinVar variation 1019149 (VCV001019149.8), dbSNP rs747871895, ClinGen allele CA10515228.